The following is an entry in ClinVar:

NM_000179.3(MSH6):c.458-52G>T

Gene: MSH6 (mutS homolog 6; plus strand). Cytogenetic location: 2p16.3.
Variant type: single nucleotide variant.
Coding change: c.458-52G>T on transcript NM_000179.3 (MANE Select); 52 bases into the intron before coding-DNA position 458, G replaced by T.
Molecular consequence: intron variant.
Genome position (GRCh38, 1-based): chr2:47,795,842, G>T. VCF-style: chr2-47795842-G-T. GRCh37 (hg19) VCF-style: chr2-48022981-G-T.
Other names: c.-279-2769G>T (NM_001281493.2); c.238-2769G>T (NM_001281492.2); c.-445-52G>T (NM_001281494.2).
Identifiers: ClinVar variation 89532 (VCV000089532.6), dbSNP rs1800934, ClinGen allele CA015635.

ClinVar aggregate classification (germline): Benign. Review status: reviewed by expert panel (3 of 4 stars). 3 submissions from 3 submitters: Benign (1). 2 of the submissions do not count toward it. Last evaluated 2013-09-05.

Conditions:
Lynch syndrome. Identifiers: Orphanet 144, MedGen C4552100, MONDO:0005835. Disease mechanism: loss of function.

Allele frequency attached by ClinVar (database versions not stated): gnomAD exomes 0.17837; gnomAD 0.20833 and 0.20909; TOPMed 0.21314; 1000 Genomes Project 30x 0.22189; 1000 Genomes Project 0.22444; ESP Exome Variant Server 0.22616.

Submissions (3):

International Society for Gastrointestinal Hereditary Tumours (InSiGHT)
Classification: Benign for Lynch Syndrome. Last evaluated: 2013-09-05. Review status: reviewed by expert panel. Criteria: Guidelines v1.9. Collection method: research. Allele origin: germline.
Comment: MAF >1%

Classified with v1.9 guidelines
ClinVar note: Converted during submission from no known pathogenicity to Benign.

GeneDx
Classification: Benign. Last evaluated: 2015-03-03. Review status: criteria provided, single submitter. Criteria: GeneDx Variant Classification Process June 2021. Collection method: clinical testing. Allele origin: germline. Affected: yes. Not counted in ClinVar's aggregate classification.

Breakthrough Genomics
Classification: Benign. Review status: criteria provided, single submitter. Criteria: ACMG Guidelines, 2015. Collection method: not provided. Allele origin: germline. Inheritance: Autosomal recessive inheritance. Affected: yes. Not counted in ClinVar's aggregate classification.